The following is an entry in ClinVar:

ClinVar aggregate classification (germline): Pathogenic (1 of 4 stars; one submission).

Submission:

Labcorp Genetics (formerly Invitae), Labcorp
Classification: Pathogenic. Last evaluated: 2023-03-21. Review status: criteria provided, single submitter. Criteria: Invitae Variant Classification Sherloc (09022015). Collection method: clinical testing. Allele origin: germline.
Comment: For these reasons, this variant has been classified as Pathogenic. This variant has not been reported in the literature in individuals affected with F11-related conditions. This variant is not present in population databases (gnomAD no frequency). This sequence change creates a premature translational stop signal (p.Cys327Alafs*22) in the F11 gene. It is expected to result in an absent or disrupted protein product. Loss-of-function variants in F11 are known to be pathogenic (PMID: 23929304).

Literature cited by the submitters: PubMed 23929304.

NM_000128.4(F11):c.979del (p.Cys327fs)

Gene: F11 (coagulation factor XI; plus strand). Cytogenetic location: 4q35.2.
Variant type: Deletion.
Coding change: c.979del on transcript NM_000128.4 (MANE Select); coding-DNA position 979, one base deleted (T; older notation c.979delT).
Protein change: p.Cys327fs; shifts the reading frame from cysteine 327.
Molecular consequence: frameshift variant.
Genome position (GRCh38, 1-based): chr4:186,280,336, T deleted. VCF-style (leftmost placement, unchanged base first): chr4-186280335-CT-C. GRCh37 (hg19) VCF-style: chr4-187201489-CT-C.
Other names: short protein forms C327fs.
Identifiers: ClinVar variation 2848145 (VCV002848145.3), dbSNP rs2477330146, ClinGen allele CA2739270369.
Genomic context (GRCh38, chr4:186,280,335, plus strand): 5'-GGATATTGTTGCTGCAAAAAGTCACGAGGCCTGCCAGAAACTGTGCACCAATGCCGTCCG[CT>C]GCCAGTTTTTTACCTATACCCCAGCCCAAGCATCCTGCAACGAAGGGAAGTAAGCCATAT-3'